The following is an entry in ClinVar:

ClinVar aggregate classification (germline): Uncertain significance. Review status: criteria provided, multiple submitters, no conflicts (2 of 4 stars). 2 submissions from 2 submitters: Uncertain significance (2). Last evaluated 2025-03-04.

Conditions:
Hereditary nonpolyposis colorectal neoplasms. Identifiers: MedGen C0009405, MeSH D003123.
Hereditary cancer-predisposing syndrome. Also called: Hereditary neoplastic syndrome; Tumor predisposition; Neoplastic Syndromes, Hereditary; Hereditary Cancer Syndrome. Identifiers: Orphanet 140162, MedGen C0027672, MeSH D009386, MONDO:0015356.

Submissions (2):

Color Diagnostics, LLC DBA Color Health
Classification: Uncertain significance for Hereditary cancer-predisposing syndrome. Last evaluated: 2025-03-04. Review status: criteria provided, single submitter. Criteria: ACMG Guidelines, 2015. Collection method: clinical testing. Allele origin: germline.
Comment: This missense variant replaces phenylalanine with valine at codon 706 of the MSH6 protein. Computational prediction suggests that this variant may have deleterious impact on protein structure and function. To our knowledge, functional studies have not been reported for this variant. This variant has not been reported in individuals affected with MSH6-related disorders in the literature. This variant has not been identified in the general population by the Genome Aggregation Database (gnomAD). The available evidence is insufficient to determine the role of this variant in disease conclusively. Therefore, this variant is classified as a Variant of Uncertain Significance.

Labcorp Genetics (formerly Invitae), Labcorp
Classification: Uncertain significance for Hereditary nonpolyposis colorectal neoplasms. Last evaluated: 2021-07-25. Review status: criteria provided, single submitter. Criteria: Invitae Variant Classification Sherloc (09022015). Collection method: clinical testing. Allele origin: germline.
Comment: In summary, the available evidence is currently insufficient to determine the role of this variant in disease. Therefore, it has been classified as a Variant of Uncertain Significance. This variant disrupts the p.Phe706 amino acid residue in MSH6. Other variant(s) that disrupt this residue have been determined to be pathogenic (PMID: 28531214, 17453009). This suggests that this residue is clinically significant, and that variants that disrupt this residue are likely to be disease-causing. Advanced modeling of protein sequence and biophysical properties (such as structural, functional, and spatial information, amino acid conservation, physicochemical variation, residue mobility, and thermodynamic stability) performed at Invitae indicates that this missense variant is expected to disrupt MSH6 protein function. This variant has not been reported in the literature in individuals with MSH6-related conditions. This variant is not present in population databases (ExAC no frequency). This sequence change replaces phenylalanine with valine at codon 706 of the MSH6 protein (p.Phe706Val). The phenylalanine residue is highly conserved and there is a small physicochemical difference between phenylalanine and valine.

Literature cited by the submitters: PubMed 28531214 (cited by Labcorp Genetics (formerly Invitae), Labcorp); PubMed 17453009 (cited by Labcorp Genetics (formerly Invitae), Labcorp).

NM_000179.3(MSH6):c.2116T>G (p.Phe706Val)

Gene: MSH6 (mutS homolog 6; plus strand). Cytogenetic location: 2p16.3.
Variant type: single nucleotide variant.
Coding change: c.2116T>G on transcript NM_000179.3 (MANE Select); coding-DNA position 2116, T replaced by G.
Protein change: p.Phe706Val; replaces phenylalanine 706 with valine.
Molecular consequence: missense variant.
Genome position (GRCh38, 1-based): chr2:47,800,099, T>G. VCF-style: chr2-47800099-T-G. GRCh37 (hg19) VCF-style: chr2-48027238-T-G.
Other names: c.1726T>G, p.Phe576Val (NM_001281492.2); c.1210T>G, p.Phe404Val (NM_001281493.2, NM_001281494.2); short protein forms F706V, F404V, F576V.
Identifiers: ClinVar variation 1347241 (VCV001347241.9), dbSNP rs2104389521, ClinGen allele CA346750966.